The following is an entry in ClinVar:

NM_032409.3(PINK1):c.1426G>A (p.Glu476Lys)

Genes: PINK1 (PTEN induced kinase 1; plus strand), PINK1-AS (PINK1 antisense RNA; minus strand). Cytogenetic location: 1p36.12.
Variant type: single nucleotide variant.
Coding change: c.1426G>A on transcript NM_032409.3 (MANE Select); coding-DNA position 1426, G replaced by A.
Protein change: p.Glu476Lys; replaces glutamic acid 476 with lysine.
Molecular consequence: missense variant. On other transcripts: non-coding transcript variant (1).
Genome position (GRCh38, 1-based): chr1:20,649,169, G>A. VCF-style: chr1-20649169-G-A. GRCh37 (hg19) VCF-style: chr1-20975662-G-A.
Other names: short protein forms E476K.
Identifiers: ClinVar variation 286390 (VCV000286390.51), dbSNP rs115477764, ClinGen allele CA660821.

ClinVar aggregate classification (germline): Benign. Review status: criteria provided, multiple submitters, no conflicts (2 of 4 stars). 10 submissions from 10 submitters: Benign (9). 1 of the submissions does not count toward it. Last evaluated 2026-01-27.

Conditions:
PINK1-related disorder. Also called: PINK1-related condition.
Autosomal recessive early-onset Parkinson disease 6 (PARK6). Also called: PINK1-Related Parkinson Disease; PARKINSON DISEASE 6, MODIFIER OF; PINK1 Type of Young-Onset Parkinson Disease; PARKINSON DISEASE 6, EARLY-ONSET. Identifiers: Orphanet 2828, MedGen C1853833, MONDO:0011613, OMIM 605909.

Allele frequency attached by ClinVar (database versions not stated): gnomAD exomes 0.00313; ExAC 0.00401; 1000 Genomes Project 0.01118; gnomAD 0.01131 and 0.01222; TOPMed 0.01326; 1000 Genomes Project 30x 0.01327; ESP Exome Variant Server 0.01453.
gnomAD v4.1: 3,352 of 1,614,210 alleles (0.21%); highest among the groups gnomAD compares: African/African-American, 3.8%; 57 homozygotes.

Submissions (16):

Labcorp Genetics (formerly Invitae), Labcorp
Classification: Benign for Autosomal recessive early-onset Parkinson disease 6. Last evaluated: 2026-01-27. Review status: criteria provided, single submitter. Criteria: Invitae Variant Classification Sherloc (09022015). Collection method: clinical testing. Allele origin: germline.

CeGaT Center for Human Genetics Tuebingen
Classification: Benign. Last evaluated: 2026-01-01. Review status: criteria provided, single submitter. Criteria: CeGaT Center For Human Genetics Tuebingen Variant Classification Criteria Version 2. Collection method: clinical testing. Allele origin: germline. Affected: yes. Observed: 3 variant alleles.
Comment: PINK1: BP4, BS1, BS2

Mayo Clinic Laboratories, Mayo Clinic
Classification: Benign. Last evaluated: 2023-03-21. Review status: criteria provided, single submitter. Criteria: ACMG Guidelines, 2015. Collection method: clinical testing. Allele origin: germline. Observed: 3 variant alleles.
Comment: BS1, BS2, BP4

Fulgent Genetics
Classification: Benign for Autosomal recessive early-onset Parkinson disease 6. Last evaluated: 2021-08-05. Review status: criteria provided, single submitter. Criteria: ACMG Guidelines, 2015. Collection method: clinical testing. Allele origin: unknown.

GeneDx
Classification: Benign. Last evaluated: 2020-06-10. Review status: criteria provided, single submitter. Criteria: GeneDx Variant Classification Process June 2021. Collection method: clinical testing. Allele origin: germline. Affected: yes.
Comment: This variant is associated with the following publications: (PMID: 26274610, 27884173, 15349860, 20981092, 22644621, 20558144)

Athena Diagnostics
Classification: Benign. Last evaluated: 2018-06-19. Review status: criteria provided, single submitter. Criteria: Athena Diagnostics Criteria. Collection method: clinical testing. Allele origin: germline.

Illumina Laboratory Services, Illumina
Classification: Benign for Autosomal recessive early-onset Parkinson disease 6. Last evaluated: 2017-10-19. Review status: criteria provided, single submitter. Criteria: ICSL Variant Classification Criteria 13 December 2019. Collection method: clinical testing. Allele origin: germline.
Comment: This variant was observed as part of a predisposition screen in an ostensibly healthy population. A literature search was performed for the gene, cDNA change, and amino acid change (where applicable). Publications were found based on this search. The evidence from the literature, in combination with allele frequency data from public databases where available, was sufficient to rule this variant out of causing disease. Therefore, this variant is classified as benign.

Eurofins Ntd Llc (ga)
Classification: Benign. Last evaluated: 2016-02-29. Review status: criteria provided, single submitter. Criteria: EGL Classification Definitions 2015. Collection method: clinical testing. Allele origin: germline. Observed: 1 variant allele, 1 heterozygote.

Breakthrough Genomics
Classification: Benign. Review status: criteria provided, single submitter. Criteria: ACMG Guidelines, 2015. Collection method: not provided. Allele origin: germline. Inheritance: Autosomal recessive inheritance. Affected: yes.

PreventionGenetics, part of Exact Sciences
Classification: Likely benign for PINK1-related condition. Last evaluated: 2019-02-21. Review status: no assertion criteria provided. Collection method: clinical testing. Allele origin: germline. Not counted in ClinVar's aggregate classification.
Comment: This variant is classified as likely benign based on ACMG/AMP sequence variant interpretation guidelines (Richards et al. 2015 PMID: 25741868, with internal and published modifications).

Dr. Peter K. Rogan Lab, Western University
No classification provided (evidence only). Condition: Clear cell carcinoma of kidney. Review status: no classification provided. Collection method: in vitro. Allele origin: not applicable. Functional consequence: retained intron. Not counted in ClinVar's aggregate classification.

Dr. Peter K. Rogan Lab, Western University
No classification provided (evidence only). Condition: Lung cancer. Review status: no classification provided. Collection method: in vitro. Allele origin: not applicable. Functional consequence: retained intron. Not counted in ClinVar's aggregate classification.

Dr. Peter K. Rogan Lab, Western University
No classification provided (evidence only). Condition: Colon adenocarcinoma. Review status: no classification provided. Collection method: in vitro. Allele origin: not applicable. Functional consequence: retained intron. Not counted in ClinVar's aggregate classification.

Dr. Peter K. Rogan Lab, Western University
No classification provided (evidence only). Condition: Gastric cancer. Review status: no classification provided. Collection method: in vitro. Allele origin: not applicable. Functional consequence: retained intron. Not counted in ClinVar's aggregate classification.

Dr. Peter K. Rogan Lab, Western University
No classification provided (evidence only). Condition: Malignant tumor of esophagus. Review status: no classification provided. Collection method: in vitro. Allele origin: not applicable. Functional consequence: retained intron. Not counted in ClinVar's aggregate classification.

Dr. Peter K. Rogan Lab, Western University
No classification provided (evidence only). Condition: Malignant tumor of esophagus. Review status: no classification provided. Collection method: in vitro. Allele origin: not applicable. Functional consequence: retained intron. Not counted in ClinVar's aggregate classification.

Literature cited by the submitters: PubMed 15349860 (cited by 3 submitters); PubMed 20558144 (cited by 3 submitters); PubMed 26274610 (cited by 3 submitters); PubMed 15596610 (cited by Athena Diagnostics); PubMed 16009891 (cited by Athena Diagnostics); PubMed 16547921 (cited by Athena Diagnostics); PubMed 16969854 (cited by Athena Diagnostics); PubMed 18330912 (cited by Athena Diagnostics); PubMed 18546294 (cited by Athena Diagnostics); PubMed 18685134 (cited by Athena Diagnostics); PubMed 19087301 (cited by Athena Diagnostics and Illumina Laboratory Services, Illumina); PubMed 21925922 (cited by Athena Diagnostics); PubMed 27884173 (cited by Athena Diagnostics and Illumina Laboratory Services, Illumina); PubMed 22644621 (cited by Athena Diagnostics and Illumina Laboratory Services, Illumina); PubMed 20981092 (cited by Illumina Laboratory Services, Illumina and Eurofins Ntd Llc (ga)); PubMed 24167364 (cited by Illumina Laboratory Services, Illumina).